The following is an entry in ClinVar:

NM_022436.3(ABCG5):c.751C>T (p.Gln251Ter)

Genes: ABCG5 (ATP binding cassette subfamily G member 5; minus strand), DYNC2LI1 (dynein cytoplasmic 2 light intermediate chain 1; plus strand). Cytogenetic location: 2p21.
Variant type: single nucleotide variant.
Coding change: c.751C>T on transcript NM_022436.3 (MANE Select); coding-DNA position 751, C replaced by T.
Protein change: p.Gln251Ter; replaces glutamine 251 with a stop codon.
Molecular consequence: nonsense. On other transcripts: intron variant (2).
Genome position (GRCh38, 1-based): chr2:43,826,405, G>A on the plus strand (C>T on the coding strand, the complement: ABCG5 is on the minus strand). VCF-style: chr2-43826405-G-A. GRCh37 (hg19) VCF-style: chr2-44053544-G-A.
Other names: c.*16-981G>A (NM_001348913.2, NM_001348912.2); c.751C>T (NM_022436.2); short protein forms Q251*.
Identifiers: ClinVar variation 1120119 (VCV001120119.18), dbSNP rs140111105, ClinGen allele CA1636543.

ClinVar aggregate classification (germline): Pathogenic. Review status: criteria provided, multiple submitters, no conflicts (2 of 4 stars). 8 submissions from 8 submitters: Pathogenic (7). 1 of the submissions does not count toward it. Last evaluated 2026-03-05.

Conditions:
Sitosterolemia 2. Identifiers: MedGen C5231453, MONDO:0020748, OMIM 618666.
Sitosterolemia (STSL). Also called: PHYTOSTEROLEMIA. Identifiers: Orphanet 2882, MedGen C0342907, MONDO:0008863.
Cardiovascular phenotype. Identifiers: MedGen CN230736.

Allele frequency attached by ClinVar (database versions not stated): ESP Exome Variant Server 0.00008; ExAC 0.00002; gnomAD exomes 0.00004.
gnomAD v4.1: 15 of 1,613,972 alleles (0.00093%); highest among the groups gnomAD compares: East Asian, 0.027%; no homozygotes.

Submissions (8):

Department of Cardiology, Mackay Memorial Hospital
Classification: Pathogenic for Sitosterolemia. Last evaluated: 2026-03-05. Review status: criteria provided, single submitter. Criteria: ACMG Guidelines, 2015. Collection method: clinical testing. Allele origin: germline. Affected: yes.
Comment: The ABCG5 c.751C>T (p.Gln251Ter; rs140111105; Accession: VCV001120119.15) variant is a nonsense alteration in exon 6 that introduces a premature termination codon at residue 251. This change is expected to cause loss of ABCG5 function through premature protein truncation and/or nonsense-mediated mRNA decay, consistent with the established loss-of-function mechanism underlying autosomal recessive sitosterolemia. The variant is rare in population databases, with an overall allele frequency of approximately 0.004% and a highest reported frequency of approximately 0.05% among East Asian individuals. It has been identified in multiple patients with sitosterolemia in both homozygous and compound heterozygous states, including confirmed or strongly supported trans configurations with other pathogenic ABCG5 variants, and segregation with disease has also been documented. Collectively, the predicted loss-of-function consequence, rarity in the general population, repeated observations in affected individuals, and supportive allelic and segregation data support classification of ABCG5 c.751C>T (p.Gln251Ter) as pathogenic.

Medical and Scientific Branch, Hong Kong Genome Institute
Classification: Pathogenic for Sitosterolemia 2. Last evaluated: 2026-01-26. Review status: criteria provided, single submitter. Criteria: ACMG Guidelines, 2015. Collection method: clinical testing. Allele origin: unknown. Affected: yes.

Labcorp Genetics (formerly Invitae), Labcorp
Classification: Pathogenic for Sitosterolemia. Last evaluated: 2025-12-29. Review status: criteria provided, single submitter. Criteria: Invitae Variant Classification Sherloc (09022015). Collection method: clinical testing. Allele origin: germline.
Comment: This sequence change creates a premature translational stop signal (p.Gln251*) in the ABCG5 gene. It is expected to result in an absent or disrupted protein product. Loss-of-function variants in ABCG5 are known to be pathogenic (PMID: 11138003, 25665839). This variant is present in population databases (rs140111105, gnomAD 0.05%). This premature translational stop signal has been observed in individual(s) with sistosterolemia (PMID: 28521186, 32166861, 32862661). In at least one individual the data is consistent with being in trans (on the opposite chromosome) from a pathogenic variant. ClinVar contains an entry for this variant (Variation ID: 1120119). For these reasons, this variant has been classified as Pathogenic.

Ambry Genetics
Classification: Pathogenic for Cardiovascular phenotype. Last evaluated: 2023-04-06. Review status: criteria provided, single submitter. Criteria: Ambry Variant Classification Scheme 2023. Collection method: clinical testing. Allele origin: germline.
Comment: The c.751C>T (p.Q251*) alteration, located in exon 6 (coding exon 6) of the ABCG5 gene, consists of a C to T substitution at nucleotide position 751. This changes the amino acid from a glutamine (Q) to a stop codon at amino acid position 251. This alteration is expected to result in loss of function by premature protein truncation or nonsense-mediated mRNA decay. Based on data from gnomAD, the T allele has an overall frequency of 0.004% (10/251486) total alleles studied. The highest observed frequency was 0.049% (9/18394) of East Asian alleles. This variant has been detected in the homozygous and compound heterozygous states in trans with other ABCG5 variants in individuals reported to have sitosterolemia (Buonuomo, 2017; Zheng, 2019; Huang, 2019; Iyama, 2022; Sun, 2020; Zhang, 2022). Based on the available evidence, this alteration is classified as pathogenic.

Genetics and Molecular Pathology, SA Pathology
Classification: Pathogenic for Sitosterolemia 2. Last evaluated: 2022-07-11. Review status: criteria provided, single submitter. Criteria: ACMG Guidelines, 2015. Collection method: clinical testing. Allele origin: germline. Inheritance: Autosomal recessive inheritance. Affected: yes.

Laboratory for Molecular Medicine, Mass General Brigham Personalized Medicine
Classification: Pathogenic for Sitosterolemia. Last evaluated: 2020-06-25. Review status: criteria provided, single submitter. Criteria: LMM Criteria. Collection method: clinical testing. Allele origin: germline. Inheritance: Autosomal recessive inheritance. Observed: 1 variant allele.
Comment: The p.Gln251X variant in ABCG5 has been reported in one homozygous and two compound heterozygous individuals with sitosterolemia and segregated with disease in 1 affected family member (Buonuomo 2017 PMID:28521186, Huang 2019 PMID:30985648 , Sun 2020 PMID:32166861). It has also been identified in 0.05% (9/18394) of East Asian chromosomes by gnomAD. This nonsense variant leads to a premature termination codon at position 251, which is predicted to lead to a truncated or absent protein. Loss of function of the ABCG5 gene is an established disease mechanism in autosomal recessive sitosterolemia. In summary, this variant meets criteria to be classified as pathogenic for autosomal recessive sitosterolemia. ACMG/AMP criteria applied: PVS1, PM3_Strong, PM2_Supporting,PP1.

Juno Genomics, Hangzhou Juno Genomics, Inc
Classification: Pathogenic for Sitosterolemia 2. Review status: criteria provided, single submitter. Criteria: ACMG Guidelines, 2015. Collection method: clinical testing. Allele origin: germline.
Comment: Absent from controls (or at extremely low frequency if recessive) in Genome Aggregation Database.;Null variant in a gene where loss of function (LOF) is a known mechanism of disease.;For recessive disorders, detected in trans with a pathogenic variant.;Patient's phenotype or family history is highly specific for a disease with a single genetic etiology.

Cardiovascular Genetics Laboratory, PathWest Laboratory Medicine WA - Fiona Stanley Hospital
Classification: Pathogenic for Sitosterolemia 2. Last evaluated: 2024-07-24. Review status: no assertion criteria provided. Criteria: ACMG Guidelines, 2015. Collection method: clinical testing. Allele origin: germline. Not counted in ClinVar's aggregate classification.

Literature cited by the submitters: PubMed 28521186 (cited by 4 submitters); PubMed 30985648 (cited by 3 submitters); PubMed 32166861 (cited by 4 submitters); PubMed 11138003 (cited by Labcorp Genetics (formerly Invitae), Labcorp); PubMed 25665839 (cited by Labcorp Genetics (formerly Invitae), Labcorp); PubMed 32862661 (cited by Labcorp Genetics (formerly Invitae), Labcorp); PubMed 30697800 (cited by Ambry Genetics); PubMed 34615826 (cited by Ambry Genetics); PubMed 36229885 (cited by Ambry Genetics).